The following is an entry in ClinVar:

ClinVar aggregate classification (germline): Uncertain significance (1 of 4 stars; one submission).

Submission:

Women's Health and Genetics/Laboratory Corporation of America, LabCorp
Classification: Uncertain significance. Last evaluated: 2023-08-04. Review status: criteria provided, single submitter. Criteria: LabCorp Variant Classification Summary - May 2015. Collection method: clinical testing. Allele origin: germline.
Comment: Variant summary: COL4A3 c.2189G>C (p.Gly730Ala) results in a non-conservative amino acid change located in the Collagen triple helix repeat (IPR008160) of the encoded protein sequence. Alterations of glycine residues within the collagen triple-helix are common mechanisms of disease. Five of five in-silico tools predict a damaging effect of the variant on protein function. The variant was absent in 239892 control chromosomes. To our knowledge, no occurrence of c.2189G>C in individuals affected with Alport Syndrome, Autosomal Recessive and no experimental evidence demonstrating its impact on protein function have been reported. No submitters have cited clinical-significance assessments for this variant to ClinVar after 2014. Based on the evidence outlined above, the variant was classified as uncertain significance.

NM_000091.5(COL4A3):c.2189G>C (p.Gly730Ala)

Genes: COL4A3 (collagen type IV alpha 3 chain; plus strand), MFF-DT (MFF divergent transcript; minus strand). Cytogenetic location: 2q36.3.
Variant type: single nucleotide variant.
Coding change: c.2189G>C on transcript NM_000091.5 (MANE Select); coding-DNA position 2189, G replaced by C.
Protein change: p.Gly730Ala; replaces glycine 730 with alanine.
Molecular consequence: missense variant.
Genome position (GRCh38, 1-based): chr2:227,279,856, G>C. VCF-style: chr2-227279856-G-C. GRCh37 (hg19) VCF-style: chr2-228144572-G-C.
Other names: short protein forms G730A.
Identifiers: ClinVar variation 2581479 (VCV002581479.1), dbSNP rs2071838155, ClinGen allele CA350847791.